The following is an entry in ClinVar:

NM_001033855.3(DCLRE1C):c.501G>A (p.Thr167=)

Gene: DCLRE1C (DNA cross-link repair 1C; minus strand). Cytogenetic location: 10p13.
Variant type: single nucleotide variant.
Coding change: c.501G>A on transcript NM_001033855.3 (MANE Select); coding-DNA position 501, G replaced by A.
Protein change: p.Thr167=; no amino-acid change (threonine 167 retained).
Molecular consequence: synonymous variant. On other transcripts: non-coding transcript variant (4).
Genome position (GRCh38, 1-based): chr10:14,934,739, C>T on the plus strand (G>A on the coding strand, the complement: DCLRE1C is on the minus strand). VCF-style: chr10-14934739-C-T. GRCh37 (hg19) VCF-style: chr10-14976738-C-T.
Other names: c.141G>A, p.Thr47= (NM_001033857.3, NM_001033858.3, NM_001289077.2 and 2 more transcripts); c.156G>A, p.Thr52= (NM_001289076.2, NM_001289078.2, NM_001350966.2 and 1 more transcripts); c.501G>A, p.Thr167= (NM_001350965.2).
Identifiers: ClinVar variation 1150107 (VCV001150107.24), dbSNP rs750407775, ClinGen allele CA468405548.

ClinVar aggregate classification (germline): Likely benign. Review status: criteria provided, multiple submitters, no conflicts (2 of 4 stars). 3 submissions from 3 submitters: Likely benign (3). Last evaluated 2026-01-21.

Conditions:
Severe combined immunodeficiency due to DCLRE1C deficiency (RS-SCID). Also called: SCID, AUTOSOMAL RECESSIVE, T CELL-NEGATIVE, B CELL-NEGATIVE, NK CELL-POSITIVE, WITH SENSITIVITY TO IONIZING RADIATION. Identifiers: Orphanet 275, MedGen C1865371, MONDO:0011225, OMIM 602450.

Allele frequency attached by ClinVar (database versions not stated): gnomAD 0.00001; gnomAD exomes 0.00001; TOPMed 0.00002.
gnomAD v4.1: 19 of 1,613,676 alleles (0.0012%); highest among the groups gnomAD compares: Non-Finnish European, 0.0014%; no homozygotes.

Submissions (3):

Labcorp Genetics (formerly Invitae), Labcorp
Classification: Likely benign for Athabaskan severe combined immunodeficiency. Last evaluated: 2026-01-21. Review status: criteria provided, single submitter. Criteria: Invitae Variant Classification Sherloc (09022015). Collection method: clinical testing. Allele origin: germline.

CeGaT Center for Human Genetics Tuebingen
Classification: Likely benign. Last evaluated: 2024-11-01. Review status: criteria provided, single submitter. Criteria: CeGaT Center For Human Genetics Tuebingen Variant Classification Criteria Version 2. Collection method: clinical testing. Allele origin: germline. Affected: yes. Observed: 1 variant allele.
Comment: DCLRE1C: BP4, BP7

Blueprint Genetics
Classification: Likely benign. Last evaluated: 2022-11-14. Review status: criteria provided, single submitter. Criteria: ACMG Guidelines, 2015. Collection method: clinical testing. Allele origin: germline.